The following is an entry in ClinVar:

NM_033380.3(COL4A5):c.4579T>A (p.Cys1527Ser)

Gene: COL4A5 (collagen type IV alpha 5 chain; plus strand). Cytogenetic location: Xq22.3.
Variant type: single nucleotide variant.
Coding change: c.4579T>A on transcript NM_033380.3 (MANE Select); coding-DNA position 4579, T replaced by A.
Protein change: p.Cys1527Ser; replaces cysteine 1527 with serine.
Molecular consequence: missense variant.
Genome position (GRCh38, 1-based): chrX:108,692,798, T>A. VCF-style: chrX-108692798-T-A. GRCh37 (hg19) VCF-style: chrX-107936028-T-A.
Other names: p.(Cys1527Ser); c.4561T>A (NM_000495.4); c.4561T>A, p.Cys1521Ser (NM_000495.5); c.4579T>A (NM_033380.1); short protein forms C1521S, C1527S.
Identifiers: ClinVar variation 1908893 (VCV001908893.10), dbSNP rs755766520, ClinGen allele CA10489384.
Genomic context (GRCh38, chrX:108,692,798, plus strand): 5'-ATCTTTCTAGGGACGGCTGGCAGCTGCCTTCGTCGCTTTAGTACCATGCCTTTCATGTTC[T>A]GCAACATCAATAATGTTTGCAACTTTGCTTCAAGAAATGACTATTCTTACTGGCTCTCTA-3'
Protein context (NP_203699.1, residues 1517-1537): RRFSTMPFMF[Cys1527Ser]NINNVCNFAS

ClinVar aggregate classification (germline): Conflicting classifications of pathogenicity. Review status: criteria provided, conflicting classifications (1 of 4 stars). 7 submissions from 7 submitters: Likely pathogenic (4); Uncertain significance (2). 1 of the submissions does not count toward it. Last evaluated 2026-07-10.

Conditions:
COL4A5-related disorders.
COL4A5-related disorder. Also called: COL4A5-related condition.
X-linked Alport syndrome (ATS1). Also called: COL4A5-Related Nephropathy; NEPHROPATHY AND DEAFNESS, X-LINKED. Identifiers: Orphanet 63, Orphanet 88917, MedGen C4746986, MONDO:0010520, OMIM 301050.

Allele frequency attached by ClinVar (database versions not stated): TOPMed below 0.00001; ExAC 0.00001.

Submissions (7):

Centre de Génétique Humaine, Institut de Pathologie Et de Génétique
Classification: Likely pathogenic for X-linked Alport syndrome. Last evaluated: 2026-07-10. Review status: criteria provided, single submitter. Criteria: ACMG Guidelines, 2015. Collection method: clinical testing. Allele origin: germline. Inheritance: X-linked dominant inheritance. Affected: yes. Observed: 1 variant allele, 1 heterozygote. Segregation with disease not observed.
Comment: This missense variant involves a highly conserved cysteine located in the carboxy NC domain, which is critical for correct folding and stability of the NC1 domain and for trimer and hexamer assembly of the collagen IV (PM1,PP2). This variant is rare: absent in gnomAD v4.1.0 database (PM2). In silico analysis supports that this missense variant has a deleterious effect (PP3). Described in scientific literature as LP in patients with clincal manifestations of AS (PP5).

GeneDx
Classification: Uncertain significance. Last evaluated: 2026-01-29. Review status: criteria provided, single submitter. Criteria: GeneDx Variant Classification Process June 2021. Collection method: clinical testing. Allele origin: germline.
Comment: In silico analysis supports that this missense variant has a deleterious effect on protein structure/function; Also known as p.C1521S; This variant is associated with the following publications: (PMID: 32203225, 37915894, 33024316, 35789182, Prasad2025[abstract])

Myriad Genetics, Inc.
Classification: Likely pathogenic for X-linked Alport syndrome. Last evaluated: 2025-07-08. Review status: criteria provided, single submitter. Criteria: Myriad Autosomal Dominant, Autosomal Recessive and X-Linked Classification Criteria (2023). Collection method: clinical testing. Allele origin: unknown.
Comment: NM_000495.4(COL4A5):c.4561T>A(C1521S) is a missense variant classified as likely pathogenic in the context of X-linked Alport syndrome. C1521S has been observed in cases with relevant disease (PMID: 32203225). Relevant functional assessments of this variant are not available in the literature. Internal structural analysis of the variant is supportive of pathogenicity. C1521S has been observed in referenced population frequency databases. In summary, NM_000495.4(COL4A5):c.4561T>A(C1521S) is a missense variant that has internal structural support for pathogenicity and has been observed more frequently in cases with the relevant disease than in healthy populations. Please note: this variant was assessed in the context of healthy population screening.

Labcorp Genetics (formerly Invitae), Labcorp
Classification: Uncertain significance. Last evaluated: 2024-11-11. Review status: criteria provided, single submitter. Criteria: Invitae Variant Classification Sherloc (09022015). Collection method: clinical testing. Allele origin: germline.
Comment: This sequence change replaces cysteine, which is neutral and slightly polar, with serine, which is neutral and polar, at codon 1521 of the COL4A5 protein (p.Cys1521Ser). This variant is present in population databases (rs755766520, gnomAD 0.001%). This missense change has been observed in individual(s) with Alport syndrome (PMID: 32203225). ClinVar contains an entry for this variant (Variation ID: 1908893). Invitae Evidence Modeling of protein sequence and biophysical properties (such as structural, functional, and spatial information, amino acid conservation, physicochemical variation, residue mobility, and thermodynamic stability) indicates that this missense variant is expected to disrupt COL4A5 protein function with a positive predictive value of 95%. In summary, the available evidence is currently insufficient to determine the role of this variant in disease. Therefore, it has been classified as a Variant of Uncertain Significance.

Blueprint Genetics
Classification: Likely pathogenic for COL4A5-related disorders. Last evaluated: 2024-05-08. Review status: criteria provided, single submitter. Criteria: ACMG Guidelines, 2015. Collection method: clinical testing. Allele origin: germline. Affected: yes. Observed: 2 variant alleles.

Fulgent Genetics
Classification: Likely pathogenic for X-linked Alport syndrome. Last evaluated: 2024-01-21. Review status: criteria provided, single submitter. Criteria: ACMG Guidelines, 2015. Collection method: clinical testing. Allele origin: germline.

PreventionGenetics, part of Exact Sciences
Classification: Uncertain significance for COL4A5-related condition. Last evaluated: 2024-04-19. Review status: no assertion criteria provided. Collection method: clinical testing. Allele origin: germline. Not counted in ClinVar's aggregate classification.
Comment: The COL4A5 c.4561T>A variant is predicted to result in the amino acid substitution p.Cys1521Ser. This variant was reported in two siblings with Alport syndrome (Thomas et al 2020. PubMed ID: 32203225). This variant is reported in 0.0012% of alleles in individuals of European (Non-Finnish) descent in gnomAD and has been interpreted as uncertain in ClinVar. Although we suspect that this variant may be pathogenic, at this time, the clinical significance of the c.4561T>A (p.Cys1521Ser) variant is uncertain due to the absence of conclusive functional and genetic evidence.

Literature cited by the submitters: PubMed 32203225 (cited by 3 submitters); PubMed 37915894 (cited by Centre de Génétique Humaine, Institut de Pathologie Et de Génétique).